The following is an entry in ClinVar:

ClinVar aggregate classification (germline): Uncertain significance. Review status: criteria provided, multiple submitters, no conflicts (2 of 4 stars). 3 submissions from 3 submitters: Uncertain significance (3). Last evaluated 2025-05-27.

Conditions:
Hereditary cancer-predisposing syndrome. Also called: Neoplastic Syndromes, Hereditary; Hereditary Cancer Syndrome; Tumor predisposition; Hereditary neoplastic syndrome. Identifiers: Orphanet 140162, MedGen C0027672, MeSH D009386, MONDO:0015356.
Familial adenomatous polyposis 1 (FAP1). Also called: FAMILIAL ADENOMATOUS POLYPOSIS 1, ATTENUATED; POLYPOSIS, ADENOMATOUS INTESTINAL. Identifiers: MedGen C2713442, MONDO:0021056, OMIM 175100. Disease mechanism: loss of function.

Submissions (3):

Labcorp Genetics (formerly Invitae), Labcorp
Classification: Uncertain significance for Familial adenomatous polyposis 1. Last evaluated: 2025-05-27. Review status: criteria provided, single submitter. Criteria: Invitae Variant Classification Sherloc (09022015). Collection method: clinical testing. Allele origin: germline.
Comment: This sequence change replaces glycine, which is neutral and non-polar, with arginine, which is basic and polar, at codon 1721 of the APC protein (p.Gly1721Arg). This variant is not present in population databases (gnomAD no frequency). This variant has not been reported in the literature in individuals affected with APC-related conditions. ClinVar contains an entry for this variant (Variation ID: 582075). Invitae Evidence Modeling of protein sequence and biophysical properties (such as structural, functional, and spatial information, amino acid conservation, physicochemical variation, residue mobility, and thermodynamic stability) indicates that this missense variant is not expected to disrupt APC protein function with a negative predictive value of 95%. In summary, the available evidence is currently insufficient to determine the role of this variant in disease. Therefore, it has been classified as a Variant of Uncertain Significance.

Ambry Genetics
Classification: Uncertain significance for Hereditary cancer-predisposing syndrome. Last evaluated: 2020-01-02. Review status: criteria provided, single submitter. Criteria: Ambry Variant Classification Scheme 2023. Collection method: clinical testing. Allele origin: germline.
Comment: The p.G1721R variant (also known as c.5161G>C), located in coding exon 15 of the APC gene, results from a G to C substitution at nucleotide position 5161. The glycine at codon 1721 is replaced by arginine, an amino acid with dissimilar properties. This amino acid position is well conserved in available vertebrate species. In addition, in silico predictors for this gene do not accurately predict pathogenicity. Since supporting evidence is limited at this time, the clinical significance of this alteration remains unclear.

Color Diagnostics, LLC DBA Color Health
Classification: Uncertain significance for Hereditary cancer-predisposing syndrome. Last evaluated: 2019-05-29. Review status: criteria provided, single submitter. Criteria: ACMG Guidelines, 2015. Collection method: clinical testing. Allele origin: germline.

NM_000038.6(APC):c.5161G>C (p.Gly1721Arg)

Gene: APC (APC regulator of Wnt signaling pathway; plus strand). Cytogenetic location: 5q22.2.
Variant type: single nucleotide variant.
Coding change: c.5161G>C on transcript NM_000038.6 (MANE Select); coding-DNA position 5161, G replaced by C.
Protein change: p.Gly1721Arg; replaces glycine 1721 with arginine.
Molecular consequence: missense variant.
Genome position (GRCh38, 1-based): chr5:112,840,755, G>C. VCF-style: chr5-112840755-G-C. GRCh37 (hg19) VCF-style: chr5-112176452-G-C.
Other names: c.5161G>C, p.Gly1721Arg (NM_001127510.3, NM_001354895.2); c.5107G>C, p.Gly1703Arg (NM_001127511.3); c.5215G>C, p.Gly1739Arg (NM_001354896.2); c.5191G>C, p.Gly1731Arg (NM_001354897.2); c.5086G>C, p.Gly1696Arg (NM_001354898.2); c.5077G>C, p.Gly1693Arg (NM_001354899.2); c.5038G>C, p.Gly1680Arg (NM_001354900.2); c.4984G>C, p.Gly1662Arg (NM_001354901.2); and 5 more; short protein forms G1703R, G1721R, G1595R, G1630R, G1731R, G1561R, G1696R, G1693R.
Identifiers: ClinVar variation 582075 (VCV000582075.15), dbSNP rs1561598083, ClinGen allele CA16032613.